The following is an entry in ClinVar:

NM_001267550.2(TTN):c.93553del (p.Arg31185fs)

Genes: TTN (titin; minus strand), TTN-AS1 (TTN antisense RNA 1; plus strand). Cytogenetic location: 2q31.2.
Variant type: Deletion.
Coding change: c.93553del on transcript NM_001267550.2 (MANE Select); coding-DNA position 93553, one base deleted (C; older notation c.93553delC).
Protein change: p.Arg31185fs; shifts the reading frame from arginine 31185.
Molecular consequence: frameshift variant.
Genome position (GRCh38, 1-based): chr2:178,548,073, G deleted on the plus strand (C on the coding strand, the reverse complement: TTN is on the minus strand); the first of 2 consecutive G bases (chr2:178,548,073-178,548,074); deleting either gives the same sequence. VCF-style (leftmost placement, unchanged base first): chr2-178548072-CG-C. GRCh37 (hg19) VCF-style: chr2-179412799-CG-C.
Other names: c.88630del, p.Arg29544fs (NM_001256850.1); c.66358del, p.Arg22120fs (NM_003319.4); c.85849del, p.Arg28617fs (NM_133378.4); c.66733del, p.Arg22245fs (NM_133432.3); c.66934del, p.Arg22312fs (NM_133437.4); c.66358delC (NM_003319.4); short protein forms R22120fs, R22245fs, R22312fs, R31185fs, R29544fs, R28617fs.
Identifiers: ClinVar variation 3812289 (VCV003812289.1).

ClinVar aggregate classification (germline): Likely pathogenic (1 of 4 stars; one submission).

Conditions:
Cardiovascular phenotype. Identifiers: MedGen CN230736.

Submission:

Ambry Genetics
Classification: Likely pathogenic for Cardiovascular phenotype. Last evaluated: 2025-03-07. Review status: criteria provided, single submitter. Criteria: Ambry Variant Classification Scheme 2023. Collection method: clinical testing. Allele origin: germline.
Comment: The c.66358delC variant, located in coding exon 166 of the TTN gene, results from a deletion of one nucleotide at nucleotide position 66358, causing a translational frameshift with a predicted alternate stop codon (p.R22120Vfs*2). This exon is located in the A-band region of the N2-B isoform of the titin protein and is constitutively expressed in TTN transcripts (percent spliced in or PSI 100%). This variant is expected to result in loss of function by premature protein truncation or nonsense-mediated mRNA decay. While truncating variants in TTN are present in 1-3% of the general population, truncating variants in the A-band are the most common cause of dilated cardiomyopathy (Herman DS et al. N. Engl. J. Med., 2012 Feb;366:619-28; Roberts AM et al. Sci Transl Med, 2015 Jan;7:270ra6). TTN truncating variants encoded in constitutive exons (PSI >90%) have been found to be significantly associated with DCM regardless of their position in titin (Schafer S et al. Nat. Genet., 2017 01;49:46-53; Akhtar MM et al. Circ Heart Fail, 2020 Oct;13:e006832; Massier M et al. Clin Genet, 2025 Jan). This variant is considered to be rare based on population cohorts in the Genome Aggregation Database (gnomAD). Based on the majority of available evidence to date, this variant is likely to be pathogenic.